The following is an entry in ClinVar:

NM_001429.4(EP300):c.6594G>A (p.Gly2198=)

Gene: EP300 (EP300 lysine acetyltransferase; plus strand). Cytogenetic location: 22q13.2.
Variant type: single nucleotide variant.
Coding change: c.6594G>A on transcript NM_001429.4 (MANE Select); coding-DNA position 6594, G replaced by A.
Protein change: p.Gly2198=; no amino-acid change (glycine 2198 retained).
Molecular consequence: synonymous variant.
Genome position (GRCh38, 1-based): chr22:41,178,305, G>A. VCF-style: chr22-41178305-G-A. GRCh37 (hg19) VCF-style: chr22-41574309-G-A.
Other names: c.6516G>A, p.Gly2172= (NM_001362843.2); c.6594G>A (NM_001429.3).
Identifiers: ClinVar variation 2124820 (VCV002124820.5), dbSNP rs1373568802, ClinGen allele CA514794484.
Genomic context (GRCh38, chr22:41,178,305, plus strand): 5'-ATTCCGAGACATCTTGAGACGACAGCAAATGATGCAACAGCAGCAGCAACAGGGAGCAGG[G>A]CCAGGAATAGGCCCTGGAATGGCCAACCATAACCAGTTCCAGCAACCCCAAGGAGTTGGC-3'
Protein context (NP_001420.2, residues 2188-2208): MMQQQQQQGA[Gly2198=]PGIGPGMANH

ClinVar aggregate classification (germline): Likely benign. Review status: criteria provided, multiple submitters, no conflicts (2 of 4 stars). 2 submissions from 2 submitters: Likely benign (2). Last evaluated 2026-03-22.

Conditions:
EP300-related disorder. Also called: EP300-related condition; EP300-related disorders.
Rubinstein-Taybi syndrome due to EP300 haploinsufficiency. Also called: EP300-Related Rubinstein-Taybi Syndrome; RUBINSTEIN-TAYBI SYNDROME 2. Identifiers: Orphanet 353284, Orphanet 783, MedGen C3150941, MONDO:0013364, OMIM 613684.

Allele frequency attached by ClinVar (database versions not stated): gnomAD exomes below 0.00001.
gnomAD v4.1: 3 of 1,614,162 alleles (0.00019%); highest among the groups gnomAD compares: Admixed American, 0.0017%; no homozygotes.

Submissions (2):

PreventionGenetics, part of Exact Sciences
Classification: Likely benign for EP300-related condition. Last evaluated: 2026-03-22. Review status: criteria provided, single submitter. Criteria: ACMG Guidelines, 2015. Collection method: clinical testing. Allele origin: germline.
Comment: This variant is classified as likely benign based on ACMG/AMP sequence variant interpretation guidelines (Richards et al. 2015 PMID: 25741868, with internal and published modifications).

Labcorp Genetics (formerly Invitae), Labcorp
Classification: Likely benign for Rubinstein-Taybi syndrome due to EP300 haploinsufficiency. Last evaluated: 2022-08-06. Review status: criteria provided, single submitter. Criteria: Invitae Variant Classification Sherloc (09022015). Collection method: clinical testing. Allele origin: germline.